The following is an entry in ClinVar:

ClinVar aggregate classification (germline): Uncertain significance (1 of 4 stars; one submission).

Submission:

Labcorp Genetics (formerly Invitae), Labcorp
Classification: Uncertain significance. Last evaluated: 2024-01-24. Review status: criteria provided, single submitter. Criteria: Invitae Variant Classification Sherloc (09022015). Collection method: clinical testing. Allele origin: germline.
Comment: This sequence change replaces threonine, which is neutral and polar, with serine, which is neutral and polar, at codon 930 of the PCARE protein (p.Thr930Ser). This variant is not present in population databases (gnomAD no frequency). This variant has not been reported in the literature in individuals affected with PCARE-related conditions. ClinVar contains an entry for this variant (Variation ID: 1467936). An algorithm developed to predict the effect of missense changes on protein structure and function (PolyPhen-2) suggests that this variant is likely to be tolerated. In summary, the available evidence is currently insufficient to determine the role of this variant in disease. Therefore, it has been classified as a Variant of Uncertain Significance.

NM_001029883.3(PCARE):c.2789C>G (p.Thr930Ser)

Gene: PCARE (photoreceptor cilium actin regulator; minus strand). Cytogenetic location: 2p23.2.
Variant type: single nucleotide variant.
Coding change: c.2789C>G on transcript NM_001029883.3 (MANE Select); coding-DNA position 2789, C replaced by G.
Protein change: p.Thr930Ser; replaces threonine 930 with serine.
Molecular consequence: missense variant.
Genome position (GRCh38, 1-based): chr2:29,071,473, G>C on the plus strand (C>G on the coding strand, the complement: PCARE is on the minus strand). VCF-style: chr2-29071473-G-C. GRCh37 (hg19) VCF-style: chr2-29294339-G-C.
Other names: short protein forms T930S.
Identifiers: ClinVar variation 1467936 (VCV001467936.6), dbSNP rs1667482047, ClinGen allele CA346476429.